The following is an entry in ClinVar:

NM_000093.5(COL5A1):c.3059C>T (p.Pro1020Leu)

Gene: COL5A1 (collagen type V alpha 1 chain; plus strand). Cytogenetic location: 9q34.3.
Variant type: single nucleotide variant.
Coding change: c.3059C>T on transcript NM_000093.5 (MANE Select); coding-DNA position 3059, C replaced by T.
Protein change: p.Pro1020Leu; replaces proline 1020 with leucine.
Molecular consequence: missense variant.
Genome position (GRCh38, 1-based): chr9:134,802,940, C>T. VCF-style: chr9-134802940-C-T. GRCh37 (hg19) VCF-style: chr9-137694786-C-T.
Other names: c.3059C>T (NM_000093.3); c.3059C>T, p.Pro1020Leu (NM_001278074.1); short protein forms P1020L.
Identifiers: ClinVar variation 459669 (VCV000459669.16), dbSNP rs1001786208, ClinGen allele CA201077923.

ClinVar aggregate classification (germline): Conflicting classifications of pathogenicity. Review status: criteria provided, conflicting classifications (1 of 4 stars). 6 submissions from 6 submitters: Uncertain significance (5); Likely benign (1). Last evaluated 2026-05-13.

Conditions:
Ehlers-Danlos syndrome, classic type, 1 (EDSCL1). Also called: EHLERS-DANLOS SYNDROME, GRAVIS TYPE; EHLERS-DANLOS SYNDROME, SEVERE CLASSIC TYPE; Ehlers-Danlos Syndrome, Classic Type, COL5A1-Related; Ehlers-Danlos syndrome, type 1; EDS I. Identifiers: MedGen C0268335, MONDO:0019567, OMIM 130000.
Familial thoracic aortic aneurysm and aortic dissection (TAAD). Also called: Thoracic aortic aneurysms and dissections. Identifiers: Orphanet 91387, MedGen C4707243, MONDO:0019625.

Allele frequency attached by ClinVar (database versions not stated): gnomAD 0.00001; gnomAD exomes 0.00001 and 0.00002; TOPMed 0.00003.
gnomAD v4.1: 36 of 1,611,402 alleles (0.0022%); highest among the groups gnomAD compares: Non-Finnish European, 0.0029%; no homozygotes.

Submissions (6):

Women's Health and Genetics/Laboratory Corporation of America, LabCorp
Classification: Uncertain significance. Last evaluated: 2026-05-13. Review status: criteria provided, single submitter. Criteria: LabCorp Variant Classification Summary - May 2015. Collection method: clinical testing. Allele origin: germline.
Comment: Variant summary: COL5A1 c.3059C>T (p.Pro1020Leu) results in a non-conservative amino acid change located in the Collagen triple helix repeat (20 copies) domain (IPR008160) of the encoded protein sequence. Algorithms developed to predict the effect of missense changes on protein structure and function all suggest that this variant is likely to be disruptive. The variant allele was found at a frequency of 8.3e-06 in 241880 control chromosomes. The available data on variant occurrences in the general population are insufficient to allow any conclusion about variant significance. To our knowledge, no occurrence of c.3059C>T in individuals affected with COL5A1-related conditions and no experimental evidence demonstrating its impact on protein function have been reported. ClinVar contains an entry for this variant (Variation ID: 459669). Based on the evidence outlined above, the variant was classified as uncertain significance.

Ambry Genetics
Classification: Uncertain significance for Familial thoracic aortic aneurysm and aortic dissection. Last evaluated: 2025-11-24. Review status: criteria provided, single submitter. Criteria: Ambry Variant Classification Scheme 2023. Collection method: clinical testing. Allele origin: germline.
Comment: The p.P1020L variant (also known as c.3059C>T), located in coding exon 39 of the COL5A1 gene, results from a C to T substitution at nucleotide position 3059. The proline at codon 1020 is replaced by leucine, an amino acid with similar properties. This amino acid position is highly conserved in available vertebrate species. In addition, the in silico prediction for this alteration is inconclusive. Based on the available evidence, the clinical significance of this variant remains unclear.

Labcorp Genetics (formerly Invitae), Labcorp
Classification: Likely benign for Ehlers-Danlos syndrome, classic type, 1. Last evaluated: 2025-03-27. Review status: criteria provided, single submitter. Criteria: Invitae Variant Classification Sherloc (09022015). Collection method: clinical testing. Allele origin: germline.

GeneDx
Classification: Uncertain significance. Last evaluated: 2024-02-03. Review status: criteria provided, single submitter. Criteria: GeneDx Variant Classification Process June 2021. Collection method: clinical testing. Allele origin: germline. Affected: yes.
Comment: Has not been previously published as pathogenic or benign to our knowledge; Occurs in the triple helical domain at the Y position in the canonical Gly-X-Y repeat; although this variant may have an effect on normal protein folding and function, missense substitution at the Y position is not a common mechanism of disease (HGMD; PMID: 22696272); Not observed at a significant frequency in large population cohorts (gnomAD); In silico analysis supports that this missense variant has a deleterious effect on protein structure/function; This variant is associated with the following publications: (PMID: 22696272)

Blueprint Genetics
Classification: Uncertain significance. Last evaluated: 2022-08-24. Review status: criteria provided, single submitter. Criteria: ACMG Guidelines, 2015. Collection method: clinical testing. Allele origin: germline.

AiLife Diagnostics
Classification: Uncertain significance. Last evaluated: 2021-12-27. Review status: criteria provided, single submitter. Criteria: ACMG Guidelines, 2015. Collection method: clinical testing. Allele origin: germline. Affected: yes. Observed: 1 variant allele.